The following is an entry in ClinVar:

ClinVar aggregate classification (germline): Uncertain significance (1 of 4 stars; one submission).

Allele frequency attached by ClinVar (database versions not stated): gnomAD 0.00001 and 0.00002; TOPMed 0.00004; ESP Exome Variant Server 0.00008; 1000 Genomes Project 30x 0.00016; 1000 Genomes Project 0.00020.
gnomAD v4.1: 59 of 1,614,194 alleles (0.0037%); highest among the groups gnomAD compares: Non-Finnish European, 0.0044%; no homozygotes.

Submission:

Labcorp Genetics (formerly Invitae), Labcorp
Classification: Uncertain significance. Last evaluated: 2022-09-13. Review status: criteria provided, single submitter. Criteria: Invitae Variant Classification Sherloc (09022015). Collection method: clinical testing. Allele origin: germline.
Comment: Algorithms developed to predict the effect of missense changes on protein structure and function (SIFT, PolyPhen-2, Align-GVGD) all suggest that this variant is likely to be tolerated. In summary, the available evidence is currently insufficient to determine the role of this variant in disease. Therefore, it has been classified as a Variant of Uncertain Significance. This sequence change replaces valine, which is neutral and non-polar, with isoleucine, which is neutral and non-polar, at codon 1947 of the LRRK1 protein (p.Val1947Ile). ClinVar contains an entry for this variant (Variation ID: 1518153). This variant has not been reported in the literature in individuals affected with LRRK1-related conditions. This variant is present in population databases (rs375414450, gnomAD 0.01%).

NM_024652.6(LRRK1):c.5839G>A (p.Val1947Ile)

Genes: LRRK1 (leucine rich repeat kinase 1; plus strand), LRRK1-AS1 (LRRK1 antisense RNA 1; minus strand). Cytogenetic location: 15q26.3.
Variant type: single nucleotide variant.
Coding change: c.5839G>A on transcript NM_024652.6 (MANE Select); coding-DNA position 5839, G replaced by A.
Protein change: p.Val1947Ile; replaces valine 1947 with isoleucine.
Molecular consequence: missense variant.
Genome position (GRCh38, 1-based): chr15:101,066,710, G>A. VCF-style: chr15-101066710-G-A. GRCh37 (hg19) VCF-style: chr15-101606915-G-A.
Other names: short protein forms V1947I.
Identifiers: ClinVar variation 1518153 (VCV001518153.6), dbSNP rs375414450, ClinGen allele CA7762269.